The following is an entry in ClinVar:

NM_004006.3(DMD):c.8639G>T (p.Gly2880Val)

Gene: DMD (dystrophin; minus strand). Cytogenetic location: Xp21.2.
Variant type: single nucleotide variant.
Coding change: c.8639G>T on transcript NM_004006.3 (MANE Select); coding-DNA position 8639, G replaced by T.
Protein change: p.Gly2880Val; replaces glycine 2880 with valine.
Molecular consequence: missense variant.
Genome position (GRCh38, 1-based): chrX:31,479,012, C>A on the plus strand (G>T on the coding strand, the complement: DMD is on the minus strand). VCF-style: chrX-31479012-C-A. GRCh37 (hg19) VCF-style: chrX-31497129-C-A.
Other names: c.8615G>T, p.Gly2872Val (NM_000109.4); c.8627G>T, p.Gly2876Val (NM_004009.3); c.8270G>T, p.Gly2757Val (NM_004010.3); c.4616G>T, p.Gly1539Val (NM_004011.4); c.4607G>T, p.Gly1536Val (NM_004012.4); c.1259G>T, p.Gly420Val (NM_004013.3, NM_004020.4, NM_004021.3 and 2 more transcripts); c.452G>T, p.Gly151Val (NM_004014.3); short protein forms G151V, G2757V, G1536V, G1539V, G2872V, G2876V, G2880V, G420V.
Identifiers: ClinVar variation 3668799 (VCV003668799.2).
Genomic context (GRCh38, chrX:31,479,012, plus strand): 5'-AATATGTTATTATAGTTCCACATTCAATTACCTCTGGGCTCCTGGTAGAGTTTCTCTAGT[C>A]CTTCCAAAGGCTGCTCTGTCAGAAATATTCGTACAGTCTCAAGAGTACTCATGATTACAG-3'
Protein context (NP_003997.2, residues 2870-2890): RIFLTEQPLE[Gly2880Val]LEKLYQEPRE

ClinVar aggregate classification (germline): Uncertain significance (1 of 4 stars; one submission).

Conditions:
Duchenne muscular dystrophy (DMD). Also called: MUSCULAR DYSTROPHY, PSEUDOHYPERTROPHIC PROGRESSIVE, DUCHENNE TYPE; Duchenne Muscular Dystrophy (DMD). Identifiers: Orphanet 98896, MedGen C0013264, MONDO:0010679, OMIM 310200.

gnomAD v4.1: 13 of 1,209,791 alleles (0.0011%); highest among the groups gnomAD compares: Middle Eastern, 0.023%; no homozygotes.

Submission:

Labcorp Genetics (formerly Invitae), Labcorp
Classification: Uncertain significance for Duchenne muscular dystrophy. Last evaluated: 2025-01-30. Review status: criteria provided, single submitter. Criteria: Invitae Variant Classification Sherloc (09022015). Collection method: clinical testing. Allele origin: germline.
Comment: This sequence change replaces glycine, which is neutral and non-polar, with valine, which is neutral and non-polar, at codon 2880 of the DMD protein (p.Gly2880Val). This variant is not present in population databases (gnomAD no frequency). This variant has not been reported in the literature in individuals affected with DMD-related conditions. Invitae Evidence Modeling of protein sequence and biophysical properties (such as structural, functional, and spatial information, amino acid conservation, physicochemical variation, residue mobility, and thermodynamic stability) indicates that this missense variant is not expected to disrupt DMD protein function with a negative predictive value of 95%. In summary, the available evidence is currently insufficient to determine the role of this variant in disease. Therefore, it has been classified as a Variant of Uncertain Significance.